The following is an entry in ClinVar:

ClinVar aggregate classification (germline): Uncertain significance (1 of 4 stars; one submission).

Allele frequency attached by ClinVar (database versions not stated): gnomAD exomes below 0.00001.
gnomAD v4.1: 1 of 1,613,736 alleles (0.000062%); highest among the groups gnomAD compares: Non-Finnish European, 0.000085%; no homozygotes.

Submission:

CeGaT Center for Human Genetics Tuebingen
Classification: Uncertain significance. Last evaluated: 2023-08-01. Review status: criteria provided, single submitter. Criteria: CeGaT Center For Human Genetics Tuebingen Variant Classification Criteria Version 2. Collection method: clinical testing. Allele origin: germline. Affected: yes. Observed: 1 variant allele.
Comment: DNAH17: PM2, BP4

NM_173628.4(DNAH17):c.12362T>G (p.Leu4121Arg)

Gene: DNAH17 (dynein axonemal heavy chain 17; minus strand). Cytogenetic location: 17q25.3.
Variant type: single nucleotide variant.
Coding change: c.12362T>G on transcript NM_173628.4 (MANE Select); coding-DNA position 12362, T replaced by G.
Protein change: p.Leu4121Arg; replaces leucine 4121 with arginine.
Molecular consequence: missense variant.
Genome position (GRCh38, 1-based): chr17:78,429,164, A>C on the plus strand (T>G on the coding strand, the complement: DNAH17 is on the minus strand). VCF-style: chr17-78429164-A-C. GRCh37 (hg19) VCF-style: chr17-76425245-A-C.
Other names: short protein forms L4121R.
Identifiers: ClinVar variation 2648346 (VCV002648346.24), dbSNP rs2511294749, ClinGen allele CA401241462.